The following is an entry in ClinVar:

NM_002890.3(RASA1):c.2691-1G>C

Genes: CCNH (cyclin H; minus strand), RASA1 (RAS p21 protein activator 1; plus strand). Cytogenetic location: 5q14.3.
Variant type: single nucleotide variant.
Coding change: c.2691-1G>C on transcript NM_002890.3 (MANE Select); the canonical splice acceptor site of the intron before coding-DNA position 2691, G replaced by C.
Molecular consequence: splice acceptor variant. On other transcripts: intron variant (1).
Genome position (GRCh38, 1-based): chr5:87,383,712, G>C. VCF-style: chr5-87383712-G-C. GRCh37 (hg19) VCF-style: chr5-86679529-G-C.
Other names: c.2160-1G>C (NM_022650.3); c.933+11332C>G (NM_001364075.2).
Identifiers: ClinVar variation 2769068 (VCV002769068.3), dbSNP rs2531373838, ClinGen allele CA360386227.
Genomic context (GRCh38, chr5:87,383,712, plus strand): 5'-ATGTAACACATTATATAGGTGTTTTCTAAAAAAAAAAAAAAAAAATTTCCCTCCCATTCA[G>C]TGGTTTTGTTTTTCTTCGACTCATCTGTCCTGCCATCCTGAATCCACGGATGTTCAATAT-3'

ClinVar aggregate classification (germline): Likely pathogenic (1 of 4 stars; one submission).

Conditions:
Capillary malformation-arteriovenous malformation syndrome. Also called: Capillary malformation-arteriovenous malformation. Identifiers: Orphanet 137667, MedGen C1842180, MONDO:0012016.

Submission:

Labcorp Genetics (formerly Invitae), Labcorp
Classification: Likely pathogenic for Capillary malformation-arteriovenous malformation syndrome. Last evaluated: 2024-01-31. Review status: criteria provided, single submitter. Criteria: Invitae Variant Classification Sherloc (09022015). Collection method: clinical testing. Allele origin: germline.
Comment: This sequence change affects an acceptor splice site in intron 20 of the RASA1 gene. It is expected to disrupt RNA splicing. Variants that disrupt the donor or acceptor splice site typically lead to a loss of protein function (PMID: 16199547), and loss-of-function variants in RASA1 are known to be pathogenic (PMID: 24038909). This variant is not present in population databases (gnomAD no frequency). This variant has not been reported in the literature in individuals affected with RASA1-related conditions. Algorithms developed to predict the effect of sequence changes on RNA splicing suggest that this variant may disrupt the consensus splice site. In summary, the currently available evidence indicates that the variant is pathogenic, but additional data are needed to prove that conclusively. Therefore, this variant has been classified as Likely Pathogenic.

Literature cited by the submitters: PubMed 16199547; PubMed 24038909.